The following is an entry in ClinVar:

NC_000013.10:g.(?_41363746)_(41386597_?)del

Gene: SLC25A15 (solute carrier family 25 member 15; plus strand). Cytogenetic location: 13q14.11.
Variant type: Deletion.
Identifiers: ClinVar variation 3251751 (VCV003251751.1).

ClinVar aggregate classification (germline): Pathogenic (1 of 4 stars; one submission).

Conditions:
Hyperornithinemia-hyperammonemia-homocitrullinuria syndrome (HHHS). Also called: HHH SYNDROME; Ornithine translocase deficiency. Identifiers: Orphanet 415, MedGen C0268540, MONDO:0009393, OMIM 238970.

Submission:

Women's Health and Genetics/Laboratory Corporation of America, LabCorp
Classification: Pathogenic for Hyperornithinemia-hyperammonemia-homocitrullinuria syndrome. Last evaluated: 2024-04-30. Review status: criteria provided, single submitter. Criteria: LabCorp Variant Classification Summary - May 2015. Collection method: clinical testing. Allele origin: germline.
Comment: Variant summary: The variant involves the deletion of exons 1-7 in the SLC25A15 gene. A presumed nomenclature of c.(?_-123)_(*2794_?)del has been designated for the purposes of this classification. This deletion includes the entire coding sequence of the gene. As the exact proximal and distal breakpoints are unknown, it may extend beyond the annotated region of the gene to include other flanking genes. The variant was absent in 21662 control chromosomes in the gnomAD database (Structural Variants v2.1 dataset). A large deletion involving the SLC25A15 gene has been reported in the literature in a compound heterozygous individual affected with Hyperornithinemia-Hyperammonemia-Homocitrullinuria Syndrome (e.g. Camacho_1999). To our knowledge, no experimental evidence demonstrating an impact on protein function has been reported. The following publication have been ascertained in the context of this evaluation (PMID: 10369256). No submitters have cited clinical-significance assessments for this variant to ClinVar. Based on the evidence outlined above, the variant was classified as pathogenic.

Literature cited by the submitters: PubMed 10369256.